The following is an entry in ClinVar:

NM_020928.2(ZSWIM6):c.1465T>G (p.Leu489Val)

Gene: ZSWIM6 (zinc finger SWIM-type containing 6; plus strand). Cytogenetic location: 5q12.1.
Variant type: single nucleotide variant.
Coding change: c.1465T>G on transcript NM_020928.2 (MANE Select); coding-DNA position 1465, T replaced by G.
Protein change: p.Leu489Val; replaces leucine 489 with valine.
Molecular consequence: missense variant.
Genome position (GRCh38, 1-based): chr5:61,521,394, T>G. VCF-style: chr5-61521394-T-G. GRCh37 (hg19) VCF-style: chr5-60817221-T-G.
Other names: short protein forms L489V.
Identifiers: ClinVar variation 2769796 (VCV002769796.3), dbSNP rs2478333475, ClinGen allele CA359942944.

ClinVar aggregate classification (germline): Uncertain significance (1 of 4 stars; one submission).

Submission:

Labcorp Genetics (formerly Invitae), Labcorp
Classification: Uncertain significance. Last evaluated: 2023-10-18. Review status: criteria provided, single submitter. Criteria: Invitae Variant Classification Sherloc (09022015). Collection method: clinical testing. Allele origin: germline.
Comment: This sequence change replaces leucine, which is neutral and non-polar, with valine, which is neutral and non-polar, at codon 489 of the ZSWIM6 protein (p.Leu489Val). This variant is not present in population databases (gnomAD no frequency). This variant has not been reported in the literature in individuals affected with ZSWIM6-related conditions. Advanced modeling of protein sequence and biophysical properties (such as structural, functional, and spatial information, amino acid conservation, physicochemical variation, residue mobility, and thermodynamic stability) performed at Invitae indicates that this missense variant is not expected to disrupt ZSWIM6 protein function. In summary, the available evidence is currently insufficient to determine the role of this variant in disease. Therefore, it has been classified as a Variant of Uncertain Significance.